The following continues an entry in ClinVar:

NM_002834.5(PTPN11):c.923A>G (p.Asn308Ser)

Gene: PTPN11. ClinVar aggregate classification (germline): Pathogenic. Pathogenic (35). ClinVar aggregate classification (oncogenicity): Likely oncogenic.

Submissions 7 to 17 of 47:

ARUP Laboratories, Molecular Genetics and Genomics, ARUP Laboratories
Classification: Pathogenic. Last evaluated: 2025-04-07. Review status: criteria provided, single submitter. Criteria: ARUP Molecular Germline Variant Investigation Process 2024. Collection method: clinical testing. Allele origin: germline.
Comment: The PTPN11 c.923A>G; p.Asn308Ser variant (rs121918455, ClinVar Variation ID: 13327) is reported in the literature in numerous individuals affected with Noonan syndrome (Demir 2010, Ezquieta 2012, Lee 2011, Lepri 2014, Tartaglia 2006, Tartaglia 2002, Xu 2017). This variant is also absent from the Genome Aggregation Database (v2.1.1), indicating it is not a common polymorphism. In vitro functional analyses demonstrate that the Asn308Ser variant has altered substrate specificity and increased catalytic activity relative to the wildtype protein (Keilhack 2005), consistent with established disease mechanisms of Noonan syndrome (Tartaglia 2001). Additionally, other variants at this codon (c.922A>G; p.Asn308Asp, c.923A>C; p.Asn308Thr) have been reported in individuals with Noonan syndrome and are considered pathogenic (Ezquieta 2012, Lee 2011, Lepri 2014, Tartaglia 2001, Tartaglia 2002, Tartaglia 2006). Based on available information, the p.Asn308Ser variant is considered pathogenic. REFERENCES Demir K et al. A mother and son with Noonan syndrome resulting from a PTPN11 mutation: first report of molecularly proven cases from Turkey. Turk J Pediatr. 2010 May-Jun;52(3):321-4. PMID: 20718194. Ezquieta B et al. Alterations in RAS-MAPK genes in 200 Spanish patients with Noonan and other neuro-cardio-facio-cutaneous syndromes. Genotype and cardiopathy. Rev Esp Cardiol (Engl Ed). 2012 May;65(5):447-55. PMID: 22465605. Keilhack H et al. Diverse biochemical properties of Shp2 mutants. Implications for disease phenotypes. J Biol Chem. 2005 Sep 2;280(35):30984-93. PMID: 15987685. Lee BH et al. Spectrum of mutations in Noonan syndrome and their correlation with phenotypes. J Pediatr. 2011 Dec;159(6):1029-35. PMID: 21784453. Lepri FR et al. Diagnosis of Noonan syndrome and related disorders using target next generation sequencing. BMC Med Genet. 2014 Jan 23;15:14. PMID: 24451042. Tartaglia M et al. Diversity and functional consequences of germline and somatic PTPN11 mutations in human disease. Am J Hum Genet. 2006 Feb;78(2):279-90. PMID: 16358218. Tartaglia M et al. Mutations in PTPN11, encoding the protein tyrosine phosphatase SHP-2, cause Noonan syndrome. Nat Genet. 2001 Dec;29(4):465-8. PMID: 11704759. Tartaglia M et al. PTPN11 mutations in Noonan syndrome: molecular spectrum, genotype-phenotype correlation, and phenotypic heterogeneity. Am J Hum Genet. 2002 Jun;70(6):1555-63. PMID: 11992261. Xu S et al. Targeted/exome sequencing identified mutations in ten Chinese patients diagnosed with Noonan syndrome and related disorders. BMC Med Genomics. 2017 Oct 30;10(1):62. PMID: 29084544.

Center for Genomic Medicine, Rigshospitalet, Copenhagen University Hospital
Classification: Likely oncogenic for Neoplasm. Last evaluated: 2025-03-04. Review status: criteria provided, single submitter. Criteria: ClinGen/CGC/VICC Guidelines for Oncogenicity, 2022. Collection method: clinical testing. Allele origin: somatic. Affected: yes.

Blueprint Genetics
Classification: Pathogenic for PTPN11-related disorders. Last evaluated: 2024-01-22. Review status: criteria provided, single submitter. Criteria: ACMG Guidelines, 2015. Collection method: clinical testing. Allele origin: germline. Affected: yes. Observed: 5 variant alleles.

Institute for Genomic Medicine (IGM) Clinical Laboratory, Nationwide Children's Hospital
Classification: Pathogenic for Noonan syndrome 1. Last evaluated: 2023-05-06. Review status: criteria provided, single submitter. Criteria: ACMG Guidelines, 2015. Collection method: clinical testing. Allele origin: germline.
Comment: Well-established functional studies have demonstrated this variant to have a damaging effect on protein function or splicing (ACMG/AMP: PS3_Moderate; PMID:34988410). This variant has been reported at an elevated frequency in affected individuals/in multiple affected individuals in the literature (ACMG/AMP: PS4; PMIDs:19077116, 11992261, 17020470, 19020799, 12960218). This variant is located in a mutational hot spot and/or critical and well-established functional domain (ACMG/AMP: PM1). This variant is absent from or present at an exceedingly low frequency in gnomAD, a large-scale control population database (ACMG/AMP: PM2). This variant has been reported to occur de novo in an affected individual in the literature without parental identity confirmed (ACMG/AMP: PM6; PMID:26817465). This variant has been shown to segregate with disease in multiple affected family members (ACMG/AMP: PP1_Strong; PMIDs:11992261, 12960218, 20718194, 22781091). This variant occurs in a gene with a low rate of benign missense variation, in which missense alterations are a common mechanism of disease (ACMG/AMP: PP2).

Neuberg Centre For Genomic Medicine, NCGM
Classification: Pathogenic for LEOPARD syndrome 1. Last evaluated: 2023-03-01. Review status: criteria provided, single submitter. Criteria: ACMG Guidelines, 2015. Collection method: clinical testing. Allele origin: germline. Inheritance: Autosomal dominant inheritance. Affected: yes.
Comment: The missense c.923A>G (p.Asn308Ser) variant in PTPN11 gene has been reported in heterozygous state in multiple individuals affected with PTPN11-related disorders (Digilio et al., 2013; Lepri et al., 2014; Loddo et al., 2015). It has also been observed to segregate with disease in related individuals (Digilio et al., 2013). Functional studies demonstrate a damaging effect showing that the variant impacts substrate specificity of the catalytic site (Keilhack et al., 2005). This variant is novel (not in any individuals) in gnomAD Exomes and 1000 Genomes. This variant has been reported to the ClinVar database as Pathogenic (multiple submissions). The amino acid change p.Asn308Ser in PTPN11 is predicted as conserved by GERP++ and PhyloP across 100 vertebrates. The amino acid Asn at position 308 is changed to a Ser changing protein sequence and it might alter its composition and physico-chemical properties. For these reasons, this variant has been classified as Pathogenic

GeneDx
Classification: Pathogenic. Last evaluated: 2022-06-09. Review status: criteria provided, single submitter. Criteria: GeneDx Variant Classification Process June 2021. Collection method: clinical testing. Allele origin: germline. Affected: yes.
Comment: Published functional studies demonstrate a damaging effect showing that the variant impacts substrate specificity of the catalytic site (Keilhack et al., 2005); Not observed at significant frequency in large population cohorts (gnomAD); Missense variants in this gene are often considered pathogenic (HGMD); This variant is associated with the following publications: (PMID: 24803665, 30417923, 32369273, 18854871, 11992261, 27626068, 26918529, 11704759, 26817465, 25912702, 29084544, 28991257, 30050098, 20718194, 30842647, 29907801, 31219622, 31560489, 32164556, 31370276, 32037394, 15987685, 33686258, 33318624, 33300679, 33673806, 32368696, 33442022, 29493581, 16053901, 9491886)

Clinical Genetics Laboratory, Skane University Hospital Lund
Classification: Pathogenic. Last evaluated: 2022-05-27. Review status: criteria provided, single submitter. Criteria: ACMG Guidelines, 2015. Collection method: clinical testing. Allele origin: germline. Affected: yes.

MGZ Medical Genetics Center
Classification: Pathogenic for Noonan syndrome 1. Last evaluated: 2022-05-27. Review status: criteria provided, single submitter. Criteria: ACMG Guidelines, 2015. Collection method: clinical testing. Allele origin: germline. Affected: yes. Observed: 1 variant allele.
Comment: ACMG criteria applied: PM5_STR, PS4_MOD, PM2_SUP, PP1, PP2, PP3

Victorian Clinical Genetics Services, Murdoch Childrens Research Institute
Classification: Pathogenic for Noonan syndrome 1. Last evaluated: 2022-02-02. Review status: criteria provided, single submitter. Criteria: ACMG Guidelines, 2015. Collection method: clinical testing. Allele origin: germline. Inheritance: Autosomal dominant inheritance. Affected: yes.
Comment: Based on the classification scheme VCGS_Germline_v1.3.4, this variant is classified as Pathogenic. Following criteria are met: 0103 - Both loss of function and gain of function are known mechanisms of disease for this gene. Metachondromatosis (MIM#156250) and Noonan syndrome with multiple lentigines have been associated with loss-of-function variants, whereas Noonan syndrome 1 (MIM#163950) is caused by gain-of-function variants (PMIDs: 11992261, 24935154, 21533187). (I) 0107 - This gene is associated with autosomal dominant disease. (I) 0200 - Variant is predicted to result in a missense amino acid change from asparagine to serine. (I) 0251 - This variant is heterozygous. (I) 0301 - Variant is absent from gnomAD (both v2 and v3). (SP) 0309 - An alternative amino acid change at the same position has been observed in gnomAD (v2) (3 heterozygotes, 0 homozygotes). (I) 0502 - Missense variant with conflicting in silico predictions and uninformative conservation. (I) 0602 - Variant is located in a hotspot region or cluster of pathogenic variants (PMID: 11992261) within the protein tyrosine phosphatase domain (PMID: 26817465). (SP) 0701 - Other missense variants comparable to the one identified in this case have very strong previous evidence for pathogenicity. Two alternative changes, p.(Asn308Asp) and p.(Asn308Thr), have been reported in multiple individuals with Noonan syndrome 1 (ClinVar). (SP) 0801 - This variant has very strong previous evidence of pathogenicity in unrelated individuals. It is one of the most commonly reported variants in this gene in individuals with Noonan syndrome 1. (SP) 1102 - Strong phenotype match for this individual. (SP) Legend: (SP) - Supporting pathogenic, (I) - Information, (SB) - Supporting benign

Revvity Omics, Revvity
Classification: Pathogenic. Last evaluated: 2021-11-19. Review status: criteria provided, single submitter. Criteria: ACMG Guidelines, 2015. Collection method: clinical testing. Allele origin: germline.

Fulgent Genetics
Classification: Pathogenic for LEOPARD syndrome 1; Metachondromatosis; Noonan syndrome 1; Juvenile myelomonocytic leukemia. Last evaluated: 2021-08-19. Review status: criteria provided, single submitter. Criteria: ACMG Guidelines, 2015. Collection method: clinical testing. Allele origin: unknown.